The following is an entry in ClinVar:

NC_000005.10:g.74685139C>T

Gene: HEXB (hexosaminidase subunit beta; plus strand). Cytogenetic location: 5q13.3.
Variant type: single nucleotide variant.
Molecular consequence: intron variant (on NM_001292004.2).
Genome position: GRCh38 VCF-style: chr5-74685139-C-T. GRCh37 (hg19) VCF-style: chr5-73980964-C-T.
Other names: c.-376-4189C>T (NM_001292004.2).
Identifiers: ClinVar variation 2069758 (VCV002069758.1), dbSNP rs1438020226, ClinGen allele CA813899071.

ClinVar aggregate classification (germline): Uncertain significance (1 of 4 stars; one submission).

Conditions:
Sandhoff disease. Also called: GM2-GANGLIOSIDOSIS, TYPE II; HEXOSAMINIDASES A AND B DEFICIENCY; Beta-hexosaminidase-beta-subunit deficiency; GM2 gangliosidosis, type 2; Total hexosaminidase deficiency; Sandhoff-Jatzkewitz-Pilz disease. Identifiers: Orphanet 796, MedGen C0036161, MONDO:0010006, OMIM 268800.

Allele frequency attached by ClinVar (database versions not stated): gnomAD exomes 0.00002.
gnomAD v4.1: 6 of 210,906 alleles (0.0028%); highest among the groups gnomAD compares: Admixed American, 0.048%; no homozygotes.

Submission:

Labcorp Genetics (formerly Invitae), Labcorp
Classification: Uncertain significance for Sandhoff disease. Last evaluated: 2022-02-06. Review status: criteria provided, single submitter. Criteria: Invitae Variant Classification Sherloc (09022015). Collection method: clinical testing. Allele origin: germline.
Comment: This variant occurs in a non-coding region of the HEXB gene. It does not change the encoded amino acid sequence of the HEXB protein. The frequency data for this variant in the population databases is considered unreliable, as metrics indicate insufficient coverage at this position in the gnomAD database. This variant has not been reported in the literature in individuals affected with HEXB-related conditions. Algorithms developed to predict the effect of sequence changes on RNA splicing suggest that this variant may create or strengthen a splice site. In summary, the available evidence is currently insufficient to determine the role of this variant in disease. Therefore, it has been classified as a Variant of Uncertain Significance.